The following is an entry in ClinVar:

NM_033056.4(PCDH15):c.5446A>C (p.Thr1816Pro)

Gene: PCDH15 (protocadherin related 15; minus strand). Cytogenetic location: 10q21.1.
Variant type: single nucleotide variant.
Coding change: c.5446A>C on transcript NM_033056.4 (MANE Plus Clinical); coding-DNA position 5446, A replaced by C.
Protein change: p.Thr1816Pro; replaces threonine 1816 with proline.
Molecular consequence: missense variant. On other transcripts: intron variant (8).
Genome position (GRCh38, 1-based): chr10:53,822,280, T>G on the plus strand (A>C on the coding strand, the complement: PCDH15 is on the minus strand). VCF-style: chr10-53822280-T-G. GRCh37 (hg19) VCF-style: chr10-55582040-T-G.
Other names: c.5467A>C, p.Thr1823Pro (NM_001142763.2); c.5452A>C, p.Thr1818Pro (NM_001142764.2); c.5239A>C, p.Thr1747Pro (NM_001142765.2); c.5437A>C, p.Thr1813Pro (NM_001142766.2); c.5326A>C, p.Thr1776Pro (NM_001142767.2); c.5386A>C, p.Thr1796Pro (NM_001142768.2); c.5377A>C, p.Thr1793Pro (NM_001142773.2); c.5380A>C, p.Thr1794Pro (NM_001354404.2); and 7 more; short protein forms T1793P, T1796P, T1813P, T1776P, T1794P, T1816P, T1823P, T1747P.
Identifiers: ClinVar variation 1985304 (VCV001985304.3), dbSNP rs1196237951, ClinGen allele CA376524939.
Genomic context (GRCh38, chr10:53,822,280, plus strand): 5'-GAAATGAAGCTGAAGGAGGTGGAGGGCAAGGAATAGAAGGAGGTGGTGGAGGAAGAGGAG[T>G]TGGAAATGGAGGTAGAAGAGGTGGTGTTGGGGGACCAGACGTTGAAACGGAAAGTGGAAA-3'
Protein context (NP_149045.3, residues 1806-1826): PTPPLLPPFP[Thr1816Pro]PLPPPPPSIP

ClinVar aggregate classification (germline): Uncertain significance (1 of 4 stars; one submission).

Submission:

Labcorp Genetics (formerly Invitae), Labcorp
Classification: Uncertain significance. Last evaluated: 2026-01-05. Review status: criteria provided, single submitter. Criteria: Invitae Variant Classification Sherloc (09022015). Collection method: clinical testing. Allele origin: germline.
Comment: This sequence change replaces threonine, which is neutral and polar, with proline, which is neutral and non-polar, at codon 1816 of the PCDH15 protein (p.Thr1816Pro). This variant is present in population databases (no rsID available, gnomAD 0.0009%). This variant has not been reported in the literature in individuals affected with PCDH15-related conditions. ClinVar contains an entry for this variant (Variation ID: 1985304). Invitae Evidence Modeling of protein sequence and biophysical properties (such as structural, functional, and spatial information, amino acid conservation, physicochemical variation, residue mobility, and thermodynamic stability) indicates that this missense variant is not expected to disrupt PCDH15 protein function with a negative predictive value of 95%. In summary, the available evidence is currently insufficient to determine the role of this variant in disease. Therefore, it has been classified as a Variant of Uncertain Significance.